The following is an entry in ClinVar:

ClinVar aggregate classification (germline): Uncertain significance. Review status: criteria provided, single submitter (1 of 4 stars). 2 submissions from 2 submitters: Uncertain significance (1). 1 of the submissions does not count toward it. Last evaluated 2023-07-03.

Conditions:
Dyskeratosis congenita. Identifiers: Orphanet 1775, MedGen C0265965, MONDO:0015780.
Pulmonary fibrosis and/or bone marrow failure, Telomere-related, 3. Also called: PULMONARY FIBROSIS AND/OR BONE MARROW FAILURE SYNDROME, TELOMERE-RELATED, 3. Identifiers: Orphanet 2032, MedGen C4225346, MONDO:0014613, OMIM 616373.
Dyskeratosis congenita, autosomal recessive 5 (DKCB5). Identifiers: MedGen C3554656, MONDO:0014076, OMIM 615190.

Allele frequency attached by ClinVar (database versions not stated): gnomAD exomes below 0.00001.

Submissions (2):

Labcorp Genetics (formerly Invitae), Labcorp
Classification: Uncertain significance for Dyskeratosis congenita, autosomal recessive 5; Pulmonary fibrosis and/or bone marrow failure, Telomere-related, 3. Last evaluated: 2023-07-03. Review status: criteria provided, single submitter. Criteria: Invitae Variant Classification Sherloc (09022015). Collection method: clinical testing. Allele origin: germline.
Comment: An algorithm developed to predict the effect of missense changes on protein structure and function (PolyPhen-2) suggests that this variant is likely to be disruptive. In summary, the available evidence is currently insufficient to determine the role of this variant in disease. Therefore, it has been classified as a Variant of Uncertain Significance. Algorithms developed to predict the effect of sequence changes on RNA splicing suggest that this variant may create or strengthen a splice site. This variant has not been reported in the literature in individuals affected with RTEL1-related conditions. ClinVar contains an entry for this variant (Variation ID: 1425697). This variant is not present in population databases (gnomAD no frequency). This sequence change replaces lysine, which is basic and polar, with arginine, which is basic and polar, at codon 961 of the RTEL1 protein (p.Lys961Arg).

Natera, Inc.
Classification: Uncertain significance for Dyskeratosis congenita. Last evaluated: 2025-04-10. Review status: no assertion criteria provided. Collection method: clinical testing. Allele origin: germline. Not counted in ClinVar's aggregate classification.

NM_001283009.2(RTEL1):c.2882A>G (p.Lys961Arg)

Genes: RTEL1 (regulator of telomere elongation helicase 1; plus strand), RTEL1-TNFRSF6B (RTEL1-TNFRSF6B readthrough (NMD candidate); plus strand). Cytogenetic location: 20q13.33.
Variant type: single nucleotide variant.
Coding change: c.2882A>G on transcript NM_001283009.2 (MANE Select); coding-DNA position 2882, A replaced by G.
Protein change: p.Lys961Arg; replaces lysine 961 with arginine.
Molecular consequence: missense variant. On other transcripts: non-coding transcript variant (1).
Genome position (GRCh38, 1-based): chr20:63,693,173, A>G. VCF-style: chr20-63693173-A-G. GRCh37 (hg19) VCF-style: chr20-62324526-A-G.
Other names: c.2213A>G, p.Lys738Arg (NM_001283010.1); c.2882A>G, p.Lys961Arg (NM_016434.4); c.2954A>G, p.Lys985Arg (NM_032957.5); c.2954A>G (NM_032957.4); short protein forms K961R, K985R, K738R.
Identifiers: ClinVar variation 1425697 (VCV001425697.9), dbSNP rs2145448755, ClinGen allele CA409683232.